The following is an entry in ClinVar:

ClinVar aggregate classification (germline): Uncertain significance. Review status: criteria provided, multiple submitters, no conflicts (2 of 4 stars). 4 submissions from 4 submitters: Uncertain significance (3). 1 of the submissions does not count toward it. Last evaluated 2025-04-16.

Conditions:
Usher syndrome type 1F (USH1F). Also called: USHER SYNDROME, TYPE IF. Identifiers: Orphanet 231169, Orphanet 886, MedGen C1865885, MONDO:0011186, OMIM 602083.
Inborn genetic diseases. Identifiers: MedGen C0950123, MeSH D030342.

Allele frequency attached by ClinVar (database versions not stated): gnomAD 0.00004; TOPMed 0.00004; ESP Exome Variant Server 0.00008.
gnomAD v4.1: 48 of 1,609,674 alleles (0.003%); highest among the groups gnomAD compares: East Asian, 0.0067%; no homozygotes.

Submissions (4):

Ambry Genetics
Classification: Uncertain significance for Inborn genetic diseases. Last evaluated: 2025-04-16. Review status: criteria provided, single submitter. Criteria: Ambry Variant Classification Scheme 2023. Collection method: clinical testing. Allele origin: germline.

Labcorp Genetics (formerly Invitae), Labcorp
Classification: Uncertain significance. Last evaluated: 2022-08-23. Review status: criteria provided, single submitter. Criteria: Invitae Variant Classification Sherloc (09022015). Collection method: clinical testing. Allele origin: germline.
Comment: This sequence change replaces asparagine, which is neutral and polar, with serine, which is neutral and polar, at codon 993 of the PCDH15 protein (p.Asn993Ser). This variant is present in population databases (rs141419177, gnomAD 0.005%). This variant has not been reported in the literature in individuals affected with PCDH15-related conditions. ClinVar contains an entry for this variant (Variation ID: 1021251). Algorithms developed to predict the effect of missense changes on protein structure and function are either unavailable or do not agree on the potential impact of this missense change (SIFT: "Tolerated"; PolyPhen-2: "Probably Damaging"; Align-GVGD: "Class C0"). In summary, the available evidence is currently insufficient to determine the role of this variant in disease. Therefore, it has been classified as a Variant of Uncertain Significance.

GeneDx
Classification: Uncertain significance. Last evaluated: 2021-12-27. Review status: criteria provided, single submitter. Criteria: GeneDx Variant Classification Process June 2021. Collection method: clinical testing. Allele origin: germline. Affected: yes.
Comment: Not observed at significant frequency in large population cohorts (gnomAD); In silico analysis supports that this missense variant has a deleterious effect on protein structure/function; Has not been previously published as pathogenic or benign to our knowledge

Natera, Inc.
Classification: Uncertain significance for Usher syndrome type 1F. Last evaluated: 2020-07-17. Review status: no assertion criteria provided. Collection method: clinical testing. Allele origin: germline. Not counted in ClinVar's aggregate classification.

NM_001384140.1(PCDH15):c.2978A>G (p.Asn993Ser)

Gene: PCDH15 (protocadherin related 15; minus strand). Cytogenetic location: 10q21.1.
Variant type: single nucleotide variant.
Coding change: c.2978A>G on transcript NM_001384140.1 (MANE Select); coding-DNA position 2978, A replaced by G.
Protein change: p.Asn993Ser; replaces asparagine 993 with serine.
Molecular consequence: missense variant.
Genome position (GRCh38, 1-based): chr10:53,961,783, T>C on the plus strand (A>G on the coding strand, the complement: PCDH15 is on the minus strand). VCF-style: chr10-53961783-T-C. GRCh37 (hg19) VCF-style: chr10-55721543-T-C.
Other names: c.2978A>G (NM_033056.3); c.2993A>G, p.Asn998Ser (NM_001142763.2, NM_001142771.2); c.2978A>G, p.Asn993Ser (NM_001142764.2, NM_001142766.2, NM_001142770.3 and 4 more transcripts); c.2765A>G, p.Asn922Ser (NM_001142765.2); c.2867A>G, p.Asn956Ser (NM_001142767.2); c.2912A>G, p.Asn971Ser (NM_001142768.2, NM_001142773.2, NM_001354404.2); c.3014A>G, p.Asn1005Ser (NM_001142769.4); c.2999A>G, p.Asn1000Ser (NM_001354411.2); short protein forms N1000S, N1005S, N922S, N956S, N971S, N993S, N998S.
Identifiers: ClinVar variation 1021251 (VCV001021251.7), dbSNP rs141419177, ClinGen allele CA5505863.